The following is an entry in ClinVar:

ClinVar aggregate classification (germline): Uncertain significance (1 of 4 stars; one submission).

Conditions:
Nephronophthisis. Also called: Juvenile Nephronophthisis. Identifiers: Orphanet 655, MedGen C0687120, MONDO:0019005, HP:0000090.

gnomAD v4.1: 5 of 1,580,298 alleles (0.00032%); highest among the groups gnomAD compares: South Asian, 0.0046%; no homozygotes.

Submission:

Labcorp Genetics (formerly Invitae), Labcorp
Classification: Uncertain significance for Nephronophthisis. Last evaluated: 2021-12-23. Review status: criteria provided, single submitter. Criteria: Invitae Variant Classification Sherloc (09022015). Collection method: clinical testing. Allele origin: germline.
Comment: This variant has not been reported in the literature in individuals affected with NPHP4-related conditions. In summary, the available evidence is currently insufficient to determine the role of this variant in disease. Therefore, it has been classified as a Variant of Uncertain Significance. Algorithms developed to predict the effect of missense changes on protein structure and function are either unavailable or do not agree on the potential impact of this missense change (SIFT: "Deleterious"; PolyPhen-2: "Benign"; Align-GVGD: "Class C0"). This variant is not present in population databases (gnomAD no frequency). This sequence change replaces glycine, which is neutral and non-polar, with arginine, which is basic and polar, at codon 277 of the NPHP4 protein (p.Gly277Arg).

NM_015102.5(NPHP4):c.829G>C (p.Gly277Arg)

Gene: NPHP4 (nephrocystin 4; minus strand). Cytogenetic location: 1p36.31.
Variant type: single nucleotide variant.
Coding change: c.829G>C on transcript NM_015102.5 (MANE Select); coding-DNA position 829, G replaced by C.
Protein change: p.Gly277Arg; replaces glycine 277 with arginine.
Molecular consequence: missense variant. On other transcripts: 5 prime UTR variant (2), non-coding transcript variant (1).
Genome position (GRCh38, 1-based): chr1:5,948,233, C>G on the plus strand (G>C on the coding strand, the complement: NPHP4 is on the minus strand). VCF-style: chr1-5948233-C-G. GRCh37 (hg19) VCF-style: chr1-6008293-C-G.
Other names: c.-538G>C (NM_001291593.2, NM_001291594.2); short protein forms G277R.
Identifiers: ClinVar variation 2054185 (VCV002054185.4), dbSNP rs754784261, ClinGen allele CA17157106.